The following is an entry in ClinVar:

ClinVar aggregate classification (germline): Likely benign. Review status: criteria provided, multiple submitters, no conflicts (2 of 4 stars). 2 submissions from 2 submitters: Likely benign (2). Last evaluated 2023-11-28.

Conditions:
Neuronopathy, distal hereditary motor, autosomal recessive 4. Also called: NEUROPATHY, DISTAL HEREDITARY MOTOR, AUTOSOMAL RECESSIVE 4; Autosomal recessive lower motor neuron disease with childhood onset. Identifiers: Orphanet 206580, MedGen C1970211, MONDO:0012608, OMIM 611067.
Charcot-Marie-Tooth disease recessive intermediate C. Also called: CHARCOT-MARIE-TOOTH NEUROPATHY, RECESSIVE INTERMEDIATE C. Identifiers: Orphanet 369867, MedGen C3809309, MONDO:0014154, OMIM 615376.

Submissions (2):

Labcorp Genetics (formerly Invitae), Labcorp
Classification: Likely benign for Neuronopathy, distal hereditary motor, autosomal recessive 4; Charcot-Marie-Tooth disease recessive intermediate C. Last evaluated: 2023-11-28. Review status: criteria provided, single submitter. Criteria: Invitae Variant Classification Sherloc (09022015). Collection method: clinical testing. Allele origin: germline.

GeneDx
Classification: Likely benign. Last evaluated: 2016-07-08. Review status: criteria provided, single submitter. Criteria: GeneDx Variant Classification (06012015). Collection method: clinical testing. Allele origin: germline. Affected: yes.
Comment: This variant is considered likely benign or benign based on one or more of the following criteria: it is a conservative change, it occurs at a poorly conserved position in the protein, it is predicted to be benign by multiple in silico algorithms, and/or has population frequency not consistent with disease.

NM_020631.6(PLEKHG5):c.1392+10_1392+24del

Gene: PLEKHG5 (pleckstrin homology and RhoGEF domain containing G5; minus strand). Cytogenetic location: 1p36.31.
Variant type: Deletion.
Coding change: c.1392+10_1392+24del on transcript NM_020631.6 (MANE Select); bases 10 to 24 of the intron after coding-DNA position 1392, 15 bases deleted (CGCGTGCCGTGGGCG).
Molecular consequence: intron variant.
Genome position (GRCh38, 1-based): chr1:6,470,966-6,470,980, CGCCCACGGCACGCG deleted on the plus strand (CGCGTGCCGTGGGCG on the coding strand, the reverse complement: PLEKHG5 is on the minus strand); deleting any 15 consecutive bases within chr1:6,470,966-6,470,985 gives the same sequence; the c. name uses the placement nearest the transcript's 3' end. VCF-style (leftmost placement, unchanged base first): chr1-6470965-CCGCCCACGGCACGCG-C. GRCh37 (hg19) VCF-style: chr1-6531025-CCGCCCACGGCACGCG-C.
Other names: c.1392+10_1392+24delCGCGTGCCGTGGGCG (NM_020631.4); c.1392+10_1392+24del (NM_198681.4, NM_001265594.3, NM_001042664.2 and 1 more transcripts); c.1503+10_1503+24del (NM_001042663.3, NM_001265592.2); c.1599+10_1599+24del (NM_001265593.2).
Identifiers: ClinVar variation 421474 (VCV000421474.4), dbSNP rs1064795162, ClinGen allele CA16617180.
Genomic context (GRCh38, chr1:6,470,965, plus strand): 5'-CGGGCTCAGGGCAGGCCCCGCCCCACCCGGCCCCGTCCAGGGTCCCGTCCTCCTGCGCCC[CCGCCCACGGCACGCG>C]CGCCCTCACCGTGATGTAGGCCCGGAAGAGGTCGTTGTCGCGCAGCAGGCCGCGCATGTA-3'